The following is an entry in ClinVar:

NM_001330078.2(NRXN1):c.2193C>T (p.Leu731=)

Gene: NRXN1 (neurexin 1; minus strand). Cytogenetic location: 2p16.3.
Variant type: single nucleotide variant.
Coding change: c.2193C>T on transcript NM_001330078.2 (MANE Select); coding-DNA position 2193, C replaced by T.
Protein change: p.Leu731=; no amino-acid change (leucine 731 retained).
Molecular consequence: synonymous variant.
Genome position (GRCh38, 1-based): chr2:50,531,381, G>A on the plus strand (C>T on the coding strand, the complement: NRXN1 is on the minus strand). VCF-style: chr2-50531381-G-A. GRCh37 (hg19) VCF-style: chr2-50758519-G-A.
Other names: p.L771L:CTC>CTT; c.2313C>T, p.Leu771= (NM_001135659.3); c.2169C>T, p.Leu723= (NM_001330077.2, NM_001330082.2, NM_001330095.2); c.2154C>T, p.Leu718= (NM_001330083.2, NM_001330084.2); c.2193C>T, p.Leu731= (NM_001330085.2, NM_001330086.2, NM_004801.6); c.2109C>T, p.Leu703= (NM_001330087.2, NM_001330096.2); c.2139C>T, p.Leu713= (NM_001330088.2); c.2190C>T, p.Leu730= (NM_001330093.2); and 1 more.
Identifiers: ClinVar variation 206203 (VCV000206203.14), dbSNP rs201466898, ClinGen allele CA316058.

ClinVar aggregate classification (germline): Benign/Likely benign. Review status: criteria provided, multiple submitters, no conflicts (2 of 4 stars). 3 submissions from 3 submitters: Benign (1); Likely benign (2). Last evaluated 2025-12-09.

Conditions:
Inborn genetic diseases. Identifiers: MedGen C0950123, MeSH D030342.
Pitt-Hopkins-like syndrome 2 (PTHSL2). Identifiers: Orphanet 221150, Orphanet 600663, MedGen C3280479, MONDO:0013690, OMIM 614325.

Allele frequency attached by ClinVar (database versions not stated): TOPMed 0.00009; ExAC 0.00011; gnomAD exomes 0.00011 and 0.00020; gnomAD 0.00013 and 0.00014; ESP Exome Variant Server 0.00016.
gnomAD v4.1: 315 of 1,612,724 alleles (0.02%); highest among the groups gnomAD compares: Non-Finnish European, 0.026%; no homozygotes.

Submissions (3):

Labcorp Genetics (formerly Invitae), Labcorp
Classification: Likely benign for Pitt-Hopkins-like syndrome 2. Last evaluated: 2025-12-09. Review status: criteria provided, single submitter. Criteria: Invitae Variant Classification Sherloc (09022015). Collection method: clinical testing. Allele origin: germline.

Ambry Genetics
Classification: Likely benign for Inborn genetic diseases. Last evaluated: 2017-04-18. Review status: criteria provided, single submitter. Criteria: Ambry Variant Classification Scheme 2023. Collection method: clinical testing. Allele origin: germline.

GeneDx
Classification: Benign. Last evaluated: 2014-09-15. Review status: criteria provided, single submitter. Criteria: GeneDx Variant Classification (06012015). Collection method: clinical testing. Allele origin: germline. Affected: yes.
Comment: This variant is considered likely benign or benign based on one or more of the following criteria: it is a conservative change, it occurs at a poorly conserved position in the protein, it is predicted to be benign by multiple in silico algorithms, and/or has population frequency not consistent with disease.